The following is an entry in ClinVar:

NM_000169.3(GLA):c.1115T>C (p.Leu372Pro)

Genes: GLA (galactosidase alpha; minus strand), RPL36A-HNRNPH2 (RPL36A-HNRNPH2 readthrough; plus strand). Cytogenetic location: Xq22.1.
Variant type: single nucleotide variant.
Coding change: c.1115T>C on transcript NM_000169.3 (MANE Select); coding-DNA position 1115, T replaced by C.
Protein change: p.Leu372Pro; replaces leucine 372 with proline.
Molecular consequence: missense variant. On other transcripts: non-coding transcript variant (3), intron variant (2).
Genome position (GRCh38, 1-based): chrX:101,397,984, A>G on the plus strand (T>C on the coding strand, the complement: GLA is on the minus strand). VCF-style: chrX-101397984-A-G. GRCh37 (hg19) VCF-style: chrX-100652972-A-G.
Other names: c.1238T>C, p.Leu413Pro (NM_001406747.1); c.300+2527A>G (NM_001199973.2); c.177+6162A>G (NM_001199974.2); short protein forms L372P, L413P.
Identifiers: ClinVar variation 1002553 (VCV001002553.11), dbSNP rs1928127729, ClinGen allele CA413920582.

ClinVar aggregate classification (germline): Conflicting classifications of pathogenicity. Review status: criteria provided, conflicting classifications (1 of 4 stars). 2 submissions from 2 submitters: Likely pathogenic (1); Uncertain significance (1). Last evaluated 2026-09-08.

Conditions:
Fabry disease. Also called: Ceramide trihexosidosis; CERAMIDE TRIHEXOSIDASE DEFICIENCY; GLA DEFICIENCY; HEREDITARY DYSTOPIC LIPIDOSIS; ALPHA-GALACTOSIDASE A DEFICIENCY; ANDERSON-FABRY DISEASE. Identifiers: Orphanet 324, MedGen C0002986, MONDO:0010526, OMIM 301500, HP:0001071. Disease mechanism: loss of function, Fabry disease is due to inactivating mutations in the X-linked GLA gene resulting in deficiency of the enzyme Alpha Galactosidase-A..

Submissions (2):

Genomenon, Inc
Classification: Likely pathogenic for Fabry disease. Last evaluated: 2026-09-08. Review status: criteria provided, single submitter. Criteria: Genomenon Sequence Variant Interpretation Standards - Updated. Collection method: curation. Allele origin: germline. Affected: yes.
Comment: GLA p.Leu372Pro (c.1115T>C) is a missense variant that changes the amino acid at codon 372 from Leucine to Proline. This variant has been observed in at least one proband with clinical features consistent with Fabry disease (PMID:21972175;29621274;40760696). At least one functional study has demonstrated a substantial alteration in protein function relative to the wild-type (PMID:32023956;36499585;21972175;27657681;23935525). It is absent or not present at a significant frequency in gnomAD. In silico models predict that this variant is possibly or probably damaging. In conclusion, we classify GLA p.Leu372Pro (c.1115T>C) as a likely pathogenic variant.

Labcorp Genetics (formerly Invitae), Labcorp
Classification: Uncertain significance for Fabry disease. Last evaluated: 2023-10-08. Review status: criteria provided, single submitter. Criteria: Invitae Variant Classification Sherloc (09022015). Collection method: clinical testing. Allele origin: germline.
Comment: This sequence change replaces leucine, which is neutral and non-polar, with proline, which is neutral and non-polar, at codon 372 of the GLA protein (p.Leu372Pro). This variant is not present in population databases (gnomAD no frequency). This missense change has been observed in individual(s) with Fabry disease (PMID: 21972175; Invitae). ClinVar contains an entry for this variant (Variation ID: 1002553). Advanced modeling of protein sequence and biophysical properties (such as structural, functional, and spatial information, amino acid conservation, physicochemical variation, residue mobility, and thermodynamic stability) performed at Invitae indicates that this missense variant is expected to disrupt GLA protein function. Experimental studies have shown that this missense change affects GLA function (PMID: 21972175, 23935525). This variant disrupts the p.Leu372 amino acid residue in GLA. Other variant(s) that disrupt this residue have been observed in individuals with GLA-related conditions (PMID: 19285316), which suggests that this may be a clinically significant amino acid residue. In summary, the available evidence is currently insufficient to determine the role of this variant in disease. Therefore, it has been classified as a Variant of Uncertain Significance.

Literature cited by the submitters: PubMed 21972175 (cited by Genomenon, Inc and Labcorp Genetics (formerly Invitae), Labcorp); PubMed 29621274 (cited by Genomenon, Inc); PubMed 40760696 (cited by Genomenon, Inc); PubMed 32023956 (cited by Genomenon, Inc); PubMed 36499585 (cited by Genomenon, Inc); PubMed 27657681 (cited by Genomenon, Inc); PubMed 23935525 (cited by Genomenon, Inc and Labcorp Genetics (formerly Invitae), Labcorp); PubMed 19285316 (cited by Labcorp Genetics (formerly Invitae), Labcorp).